The following is an entry in ClinVar:

ClinVar aggregate classification (germline): Uncertain significance (1 of 4 stars; one submission).

Submission:

GeneDx
Classification: Uncertain significance. Last evaluated: 2022-10-10. Review status: criteria provided, single submitter. Criteria: GeneDx Variant Classification Process June 2021. Collection method: clinical testing. Allele origin: germline. Affected: yes.
Comment: Not observed at significant frequency in large population cohorts (gnomAD); In silico analysis supports that this missense variant has a deleterious effect on protein structure/function; Has not been previously published as pathogenic or benign to our knowledge

NM_005618.4(DLL1):c.479C>G (p.Ser160Cys)

Gene: DLL1 (delta like canonical Notch ligand 1; minus strand). Cytogenetic location: 6q27.
Variant type: single nucleotide variant.
Coding change: c.479C>G on transcript NM_005618.4 (MANE Select); coding-DNA position 479, C replaced by G.
Protein change: p.Ser160Cys; replaces serine 160 with cysteine.
Molecular consequence: missense variant.
Genome position (GRCh38, 1-based): chr6:170,288,430, G>C on the plus strand (C>G on the coding strand, the complement: DLL1 is on the minus strand). VCF-style: chr6-170288430-G-C. GRCh37 (hg19) VCF-style: chr6-170597518-G-C.
Other names: short protein forms S160C.
Identifiers: ClinVar variation 2497950 (VCV002497950.1), dbSNP rs2483358424, ClinGen allele CA366509479.